The following is an entry in ClinVar:

ClinVar aggregate classification (germline): Uncertain significance (1 of 4 stars; one submission).

Submission:

Labcorp Genetics (formerly Invitae), Labcorp
Classification: Uncertain significance. Last evaluated: 2022-07-19. Review status: criteria provided, single submitter. Criteria: Invitae Variant Classification Sherloc (09022015). Collection method: clinical testing. Allele origin: germline.
Comment: This sequence change replaces leucine, which is neutral and non-polar, with tryptophan, which is neutral and slightly polar, at codon 300 of the HGF protein (p.Leu300Trp). This variant is not present in population databases (gnomAD no frequency). This variant has not been reported in the literature in individuals affected with HGF-related conditions. Algorithms developed to predict the effect of missense changes on protein structure and function are either unavailable or do not agree on the potential impact of this missense change (SIFT: "Not Available"; PolyPhen-2: "Benign"; Align-GVGD: "Not Available"). In summary, the available evidence is currently insufficient to determine the role of this variant in disease. Therefore, it has been classified as a Variant of Uncertain Significance.

NM_000601.6(HGF):c.899T>G (p.Leu300Trp)

Gene: HGF (hepatocyte growth factor; minus strand). Cytogenetic location: 7q21.11.
Variant type: single nucleotide variant.
Coding change: c.899T>G on transcript NM_000601.6 (MANE Select); coding-DNA position 899, T replaced by G.
Protein change: p.Leu300Trp; replaces leucine 300 with tryptophan.
Molecular consequence: missense variant.
Genome position (GRCh38, 1-based): chr7:81,729,746, A>C on the plus strand (T>G on the coding strand, the complement: HGF is on the minus strand). VCF-style: chr7-81729746-A-C. GRCh37 (hg19) VCF-style: chr7-81359062-A-C.
Other names: c.884T>G, p.Leu295Trp (NM_001010932.3); short protein forms L295W, L300W.
Identifiers: ClinVar variation 2065322 (VCV002065322.4), dbSNP rs2535267314, ClinGen allele CA367871205.